The following is an entry in ClinVar:

NM_002335.4(LRP5):c.1330C>T (p.Arg444Cys)

Gene: LRP5 (LDL receptor related protein 5; plus strand). Cytogenetic location: 11q13.2.
Variant type: single nucleotide variant.
Coding change: c.1330C>T on transcript NM_002335.4 (MANE Select); coding-DNA position 1330, C replaced by T.
Protein change: p.Arg444Cys; replaces arginine 444 with cysteine.
Molecular consequence: missense variant. On other transcripts: 5 prime UTR variant (1).
Genome position (GRCh38, 1-based): chr11:68,386,630, C>T. VCF-style: chr11-68386630-C-T. GRCh37 (hg19) VCF-style: chr11-68154098-C-T.
Other names: c.1330C>T (NM_002335.3); c.-436C>T (NM_001291902.2); short protein forms R444C.
Identifiers: ClinVar variation 6293 (VCV000006293.16), dbSNP rs80358308, ClinGen allele CA118108.

ClinVar aggregate classification (germline): Conflicting classifications of pathogenicity. Review status: criteria provided, conflicting classifications (1 of 4 stars). 6 submissions from 6 submitters: Pathogenic (1); Likely pathogenic (2); Uncertain significance (2). 1 of the submissions does not count toward it. Last evaluated 2026-03-28.

Conditions:
LRP5-related disorder. Also called: LRP5-related condition.
Autosomal dominant osteopetrosis 1 (OPTA1). Also called: OSTEOPETROSIS, AUTOSOMAL DOMINANT, TYPE I. Identifiers: Orphanet 2783, MedGen C1843330, MONDO:0011877, OMIM 607634.
Bone mineral density quantitative trait locus 1 (BMND1). Identifiers: MedGen C1866079, OMIM 601884.
Polycystic liver disease 4 with or without kidney cysts. Identifiers: MedGen C4693479, MONDO:0044327, OMIM 617875.
Osteoporosis with pseudoglioma (OPPG). Also called: osteoporosis-pseudoglioma syndrome. Identifiers: Orphanet 2788, MedGen C0432252, MONDO:0009820, OMIM 259770.
Worth disease. Also called: ENDOSTEAL HYPEROSTOSIS, AUTOSOMAL DOMINANT; Autosomal dominant osteosclerosis, Worth type; OSTEOSCLEROSIS, AUTOSOMAL DOMINANT. Identifiers: Orphanet 2790, MedGen C0432273, MONDO:0007764, OMIM 144750.
Exudative vitreoretinopathy 4 (EVR4). Identifiers: Orphanet 891, MedGen C1866176, MONDO:0011151, OMIM 601813.
Exudative vitreoretinopathy 4, digenic. Identifiers: MedGen C4016840.

Allele frequency attached by ClinVar (database versions not stated): ExAC 0.00003; gnomAD 0.00001; TOPMed 0.00001; gnomAD exomes 0.00002.
gnomAD v4.1: 37 of 1,613,502 alleles (0.0023%); highest among the groups gnomAD compares: Non-Finnish European, 0.0026%; no homozygotes.

Submissions (6):

PreventionGenetics, part of Exact Sciences
Classification: Uncertain significance for LRP5-related condition. Last evaluated: 2026-03-28. Review status: criteria provided, single submitter. Criteria: ACMG Guidelines, 2015. Collection method: clinical testing. Allele origin: germline.
Comment: The LRP5 c.1330C>T variant is predicted to result in the amino acid substitution p.Arg444Cys. This variant has been reported, in the heterozygous state with or without a second possible causative variant, in multiple individuals with familial exudative vitreoretinopathy (Table 2, Qin et al. 2007. PubMed ID: 17955262; Table 2, Chen et al. 2019. PubMed ID: 31237656; Table 2, Tao et al. 2021. PubMed ID: 34860240; Table 1, Seo et al. 2015. PubMed ID: 26244290). In vitro experimental studies suggest that this variant impacts protein function (Qin et al. 2007. PubMed ID: 17955262). This variant was also described in a large cohort of individuals with skeletal dysplasia, although no additional information was available (supplementary data, MacCarrick et al. 2024. PubMed ID: 38702915). This variant is reported in 0.0046% of alleles in individuals of European (Finnish) descent in gnomAD. At this time, the clinical significance of this variant is uncertain due to the absence of conclusive functional and genetic evidence.

Dasa
Classification: Likely pathogenic. Last evaluated: 2024-12-05. Review status: criteria provided, single submitter. Criteria: DASA Assertion Criteria. Collection method: clinical testing. Allele origin: germline.
Comment: NM_002335.4(LRP5):c.1330C>T (p.Arg444Cys) is a missense variant that results in the substitution of arginine with cysteine. This variant has been observed in affected individuals with LRP5-related disorders. Functional evidence supports an impact on the gene or gene product. Also, this variant is rare in population databases. Computational evidence supports a deleterious effect. Based on the currently available evidence, this variant is classified as likely pathogenic.

Labcorp Genetics (formerly Invitae), Labcorp
Classification: Pathogenic. Last evaluated: 2024-04-20. Review status: criteria provided, single submitter. Criteria: Invitae Variant Classification Sherloc (09022015). Collection method: clinical testing. Allele origin: germline.
Comment: This sequence change replaces arginine, which is basic and polar, with cysteine, which is neutral and slightly polar, at codon 444 of the LRP5 protein (p.Arg444Cys). This variant is present in population databases (rs80358308, gnomAD 0.004%). This missense change has been observed in individuals with autosomal dominant and recessive familial exudative vitreoretinopathy (PMID: 15981244, 26244290, 31237656, 34860240; Invitae). ClinVar contains an entry for this variant (Variation ID: 6293). Advanced modeling of protein sequence and biophysical properties (such as structural, functional, and spatial information, amino acid conservation, physicochemical variation, residue mobility, and thermodynamic stability) has been performed at Invitae for this missense variant, however the output from this modeling did not meet the statistical confidence thresholds required to predict the impact of this variant on LRP5 protein function. Experimental studies have shown that this missense change affects LRP5 function (PMID: 17955262). For these reasons, this variant has been classified as Pathogenic.

Blueprint Genetics
Classification: Uncertain significance. Last evaluated: 2023-12-22. Review status: criteria provided, single submitter. Criteria: ACMG Guidelines, 2015. Collection method: clinical testing. Allele origin: germline.

Juno Genomics, Hangzhou Juno Genomics, Inc
Classification: Likely pathogenic for Bone mineral density quantitative trait locus 1; Worth disease; Exudative vitreoretinopathy 4; Autosomal dominant osteopetrosis 1; Osteoporosis with pseudoglioma; Polycystic liver disease 4 with or without kidney cysts. Review status: criteria provided, single submitter. Criteria: ACMG Guidelines, 2015. Collection method: clinical testing. Allele origin: germline.
Comment: Absent from controls (or at extremely low frequency if recessive) in Genome Aggregation Database.;Missense variant in a gene that has a low rate of benign missense variation.;The prevalence of the variant in affected individuals is significantly increased compared to the prevalence in controls.;Patient's phenotype or family history is highly specific for a disease with a single genetic etiology.;Well-established in vitro or in vivo functional studies supportive of a damaging effect on the gene or gene product.

OMIM
Classification: Pathogenic for EXUDATIVE VITREORETINOPATHY 4, DIGENIC. Last evaluated: 2005-08-01. Review status: no assertion criteria provided. Collection method: literature only. Allele origin: germline. Not counted in ClinVar's aggregate classification.

Literature cited by the submitters: PubMed 15981244 (cited by Labcorp Genetics (formerly Invitae), Labcorp and OMIM); PubMed 26244290 (cited by Labcorp Genetics (formerly Invitae), Labcorp); PubMed 31237656 (cited by Labcorp Genetics (formerly Invitae), Labcorp); PubMed 34860240 (cited by Labcorp Genetics (formerly Invitae), Labcorp); PubMed 17955262 (cited by Labcorp Genetics (formerly Invitae), Labcorp); PubMed 14507768 (cited by OMIM).